The following is an entry in ClinVar:

ClinVar aggregate classification (germline): Uncertain significance. Review status: criteria provided, multiple submitters, no conflicts (2 of 4 stars). 4 submissions from 4 submitters: Uncertain significance (4). Last evaluated 2026-03-27.

Conditions:
Ullrich congenital muscular dystrophy 2 (UCMD2). Identifiers: Orphanet 75840, MedGen C4225314, MONDO:0014654, OMIM 616470.
Bethlem myopathy 2 (BTHLM2). Identifiers: Orphanet 536516, Orphanet 610, MedGen C4225313, MONDO:0034022, OMIM 616471.
Inborn genetic diseases. Identifiers: MedGen C0950123, MeSH D030342.

Allele frequency attached by ClinVar (database versions not stated): TOPMed 0.00001; gnomAD 0.00002; gnomAD exomes 0.00001.
gnomAD v4.1: 11 of 1,613,776 alleles (0.00068%); highest among the groups gnomAD compares: Middle Eastern, 0.016%; no homozygotes.

Submissions (4):

Dasa
Classification: Uncertain significance. Last evaluated: 2026-03-27. Review status: criteria provided, single submitter. Criteria: DASA Assertion Criteria. Collection method: clinical testing. Allele origin: germline.
Comment: NM_004370.6(COL12A1):c.7307G>A (p.Arg2436Gln) is a missense variant that results in the substitution of arginine with glutamine. This variant is rare in population databases. Computational prediction algorithms are consistent with a deleterious effect. The currently available literature and clinical evidence are not sufficient to establish a definitive association between this variant and the reported condition. Therefore, this variant is classified as a variant of uncertain significance.

Labcorp Genetics (formerly Invitae), Labcorp
Classification: Uncertain significance for Bethlem myopathy 2; Ullrich congenital muscular dystrophy 2. Last evaluated: 2026-02-01. Review status: criteria provided, single submitter. Criteria: Invitae Variant Classification Sherloc (09022015). Collection method: clinical testing. Allele origin: germline.
Comment: This sequence change replaces arginine, which is basic and polar, with glutamine, which is neutral and polar, at codon 2436 of the COL12A1 protein (p.Arg2436Gln). This variant is present in population databases (no rsID available, gnomAD 0.003%). This variant has not been reported in the literature in individuals affected with COL12A1-related conditions. ClinVar contains an entry for this variant (Variation ID: 1440320). Invitae Evidence Modeling of protein sequence and biophysical properties (such as structural, functional, and spatial information, amino acid conservation, physicochemical variation, residue mobility, and thermodynamic stability) has been performed for this missense variant. However, the output from this modeling did not meet the statistical confidence thresholds required to predict the impact of this variant on COL12A1 protein function. In summary, the available evidence is currently insufficient to determine the role of this variant in disease. Therefore, it has been classified as a Variant of Uncertain Significance.

Ambry Genetics
Classification: Uncertain significance for Inborn genetic diseases. Last evaluated: 2025-02-10. Review status: criteria provided, single submitter. Criteria: Ambry Variant Classification Scheme 2023. Collection method: clinical testing. Allele origin: germline.

Mayo Clinic Laboratories, Mayo Clinic
Classification: Uncertain significance. Last evaluated: 2024-02-22. Review status: criteria provided, single submitter. Criteria: ACMG Guidelines, 2015. Collection method: clinical testing. Allele origin: germline. Observed: 1 variant allele.

NM_004370.6(COL12A1):c.7307G>A (p.Arg2436Gln)

Genes: COL12A1 (collagen type XII alpha 1 chain; minus strand), LOC126859712 (MED14-independent group 3 enhancer GRCh37_chr6:75828643-75829842; plus strand). Cytogenetic location: 6q13.
Variant type: single nucleotide variant.
Coding change: c.7307G>A on transcript NM_004370.6 (MANE Select); coding-DNA position 7307, G replaced by A.
Protein change: p.Arg2436Gln; replaces arginine 2436 with glutamine.
Molecular consequence: missense variant.
Genome position (GRCh38, 1-based): chr6:75,119,090, C>T on the plus strand (G>A on the coding strand, the complement: COL12A1 is on the minus strand). VCF-style: chr6-75119090-C-T. GRCh37 (hg19) VCF-style: chr6-75828806-C-T.
Other names: p.Arg2436Gln; c.3815G>A, p.Arg1272Gln (NM_080645.3); c.7307G>A (NM_004370.5); short protein forms R1272Q, R2436Q.
Identifiers: ClinVar variation 1440320 (VCV001440320.12), dbSNP rs1315131480, ClinGen allele CA364747562.